The following is an entry in ClinVar:

ClinVar aggregate classification (germline): Likely pathogenic (1 of 4 stars; one submission).

Conditions:
Joubert syndrome. Also called: CEREBELLOPARENCHYMAL DISORDER IV; JOUBERT-BOLTSHAUSER SYNDROME; Familial aplasia of the vermis. Identifiers: Orphanet 475, MedGen C5979921, MONDO:0018772.
Meckel-Gruber syndrome. Also called: DYSENCEPHALIA SPLANCHNOCYSTICA; GRUBER SYNDROME; Dysencephalia splachnocystica. Identifiers: Orphanet 564, MedGen C0265215, MONDO:0018921.

Submission:

Labcorp Genetics (formerly Invitae), Labcorp
Classification: Likely pathogenic for Joubert syndrome; Meckel-Gruber syndrome. Last evaluated: 2024-05-22. Review status: criteria provided, single submitter. Criteria: Invitae Variant Classification Sherloc (09022015). Collection method: clinical testing. Allele origin: germline.
Comment: This sequence change affects a donor splice site in intron 17 of the TMEM67 gene. It is expected to disrupt RNA splicing. Variants that disrupt the donor or acceptor splice site typically lead to a loss of protein function (PMID: 16199547), and loss-of-function variants in TMEM67 are known to be pathogenic (PMID: 20232449, 23559409). This variant is not present in population databases (gnomAD no frequency). This variant has not been reported in the literature in individuals affected with TMEM67-related conditions. Algorithms developed to predict the effect of sequence changes on RNA splicing suggest that this variant may disrupt the consensus splice site. In summary, the currently available evidence indicates that the variant is pathogenic, but additional data are needed to prove that conclusively. Therefore, this variant has been classified as Likely Pathogenic.

Literature cited by the submitters: PubMed 16199547; PubMed 20232449; PubMed 23559409.

NM_153704.6(TMEM67):c.1773+1G>T

Gene: TMEM67 (transmembrane protein 67; plus strand). Cytogenetic location: 8q22.1.
Variant type: single nucleotide variant.
Coding change: c.1773+1G>T on transcript NM_153704.6 (MANE Select); the canonical splice donor site of the intron after coding-DNA position 1773, G replaced by T.
Molecular consequence: splice donor variant.
Genome position (GRCh38, 1-based): chr8:93,795,508, G>T. VCF-style: chr8-93795508-G-T. GRCh37 (hg19) VCF-style: chr8-94807736-G-T.
Other names: c.1530+1G>T (NM_001142301.1).
Identifiers: ClinVar variation 3762616 (VCV003762616.2).
Genomic context (GRCh38, chr8:93,795,508, plus strand): 5'-GCCAATGTTTTCTTTATCATCACAGTGGGAACAGGTCTTTACTGGCTTATTTTCTTCAAA[G>T]TGAGTGAGTTTCTGAATTTTCCCCAACTGCCAATATCTGAATAGTTGAAAAGCTTTCTTT-3'